The following is an entry in ClinVar:

NM_001367561.1(DOCK7):c.3412T>C (p.Cys1138Arg)

Gene: DOCK7 (dedicator of cytokinesis 7; minus strand). Cytogenetic location: 1p31.3.
Variant type: single nucleotide variant.
Coding change: c.3412T>C on transcript NM_001367561.1 (MANE Select); coding-DNA position 3412, T replaced by C.
Protein change: p.Cys1138Arg; replaces cysteine 1138 with arginine.
Molecular consequence: missense variant.
Genome position (GRCh38, 1-based): chr1:62,537,950, A>G on the plus strand (T>C on the coding strand, the complement: DOCK7 is on the minus strand). VCF-style: chr1-62537950-A-G. GRCh37 (hg19) VCF-style: chr1-63003621-A-G.
Other names: c.3412T>C, p.Cys1138Arg (NM_001271999.2, NM_001330614.2); c.3319T>C, p.Cys1107Arg (NM_001272000.2, NM_001272001.2, NM_033407.4); c.3319T>C (NM_033407.2); short protein forms C1107R, C1138R.
Identifiers: ClinVar variation 2139017 (VCV002139017.5), dbSNP rs746771145, ClinGen allele CA886011.

ClinVar aggregate classification (germline): Uncertain significance. Review status: criteria provided, multiple submitters, no conflicts (2 of 4 stars). 2 submissions from 2 submitters: Uncertain significance (2). Last evaluated 2025-03-03.

Conditions:
Developmental and epileptic encephalopathy, 23 (DEE23). Also called: Epileptic encephalopathy, early infantile, 23. Identifiers: Orphanet 411986, MedGen C4014492, MONDO:0014371, OMIM 615859.
Inborn genetic diseases. Identifiers: MedGen C0950123, MeSH D030342.

Allele frequency attached by ClinVar (database versions not stated): gnomAD exomes below 0.00001; TOPMed below 0.00001; ExAC 0.00002.
gnomAD v4.1: 5 of 1,614,064 alleles (0.00031%); highest among the groups gnomAD compares: Non-Finnish European, 0.00034%; no homozygotes.

Submissions (2):

Ambry Genetics
Classification: Uncertain significance for Inborn genetic diseases. Last evaluated: 2025-03-03. Review status: criteria provided, single submitter. Criteria: Ambry Variant Classification Scheme 2023. Collection method: clinical testing. Allele origin: germline.

Labcorp Genetics (formerly Invitae), Labcorp
Classification: Uncertain significance for Developmental and epileptic encephalopathy, 23. Last evaluated: 2022-04-21. Review status: criteria provided, single submitter. Criteria: Invitae Variant Classification Sherloc (09022015). Collection method: clinical testing. Allele origin: germline.
Comment: In summary, the available evidence is currently insufficient to determine the role of this variant in disease. Therefore, it has been classified as a Variant of Uncertain Significance. Algorithms developed to predict the effect of missense changes on protein structure and function are either unavailable or do not agree on the potential impact of this missense change (SIFT: "Tolerated"; PolyPhen-2: "Possibly Damaging"; Align-GVGD: "Class C0"). This variant has not been reported in the literature in individuals affected with DOCK7-related conditions. This variant is present in population databases (rs746771145, gnomAD 0.002%). This sequence change replaces cysteine, which is neutral and slightly polar, with arginine, which is basic and polar, at codon 1138 of the DOCK7 protein (p.Cys1138Arg).